The following is an entry in ClinVar:

ClinVar aggregate classification (germline): Uncertain significance. Review status: criteria provided, multiple submitters, no conflicts (2 of 4 stars). 3 submissions from 3 submitters: Uncertain significance (3). Last evaluated 2026-01-05.

Conditions:
Inborn genetic diseases. Identifiers: MedGen C0950123, MeSH D030342.
Congenital dyserythropoietic anemia, type II (CDAN2). Also called: DYSERYTHROPOIETIC ANEMIA, HEMPAS TYPE. Identifiers: Orphanet 98873, MedGen C1306589, MONDO:0009134, OMIM 224100.
Cowden syndrome 7 (CWS7). Identifiers: Orphanet 201, MedGen C4225179, MONDO:0014802, OMIM 616858.

Allele frequency attached by ClinVar (database versions not stated): ExAC 0.00001; gnomAD 0.00001; TOPMed 0.00001.
gnomAD v4.1: 21 of 1,613,540 alleles (0.0013%); highest among the groups gnomAD compares: Non-Finnish European, 0.00017%; no homozygotes.

Submissions (3):

Labcorp Genetics (formerly Invitae), Labcorp
Classification: Uncertain significance for Congenital dyserythropoietic anemia, type II; Cowden syndrome 7. Last evaluated: 2026-01-05. Review status: criteria provided, single submitter. Criteria: Invitae Variant Classification Sherloc (09022015). Collection method: clinical testing. Allele origin: germline.
Comment: This sequence change replaces glycine, which is neutral and non-polar, with alanine, which is neutral and non-polar, at codon 205 of the SEC23B protein (p.Gly205Ala). This variant is present in population databases (rs762101557, gnomAD 0.01%). This variant has not been reported in the literature in individuals affected with SEC23B-related conditions. ClinVar contains an entry for this variant (Variation ID: 2171158). Invitae Evidence Modeling of protein sequence and biophysical properties (such as structural, functional, and spatial information, amino acid conservation, physicochemical variation, residue mobility, and thermodynamic stability) indicates that this missense variant is not expected to disrupt SEC23B protein function with a negative predictive value of 95%. In summary, the available evidence is currently insufficient to determine the role of this variant in disease. Therefore, it has been classified as a Variant of Uncertain Significance.

Ambry Genetics
Classification: Uncertain significance for Inborn genetic diseases. Last evaluated: 2024-09-11. Review status: criteria provided, single submitter. Criteria: Ambry Variant Classification Scheme 2023. Collection method: clinical testing. Allele origin: germline.

Mayo Clinic Laboratories, Mayo Clinic
Classification: Uncertain significance. Last evaluated: 2022-05-02. Review status: criteria provided, single submitter. Criteria: ACMG Guidelines, 2015. Collection method: clinical testing. Allele origin: germline. Observed: 1 variant allele.
Comment: PM2

NM_006363.6(SEC23B):c.614G>C (p.Gly205Ala)

Genes: SEC23B (SEC23 homolog B, COPII component; plus strand), LOC126862987 (MED14-independent group 3 enhancer GRCh37_chr20:18504796-18505995; plus strand). Cytogenetic location: 20p11.23.
Variant type: single nucleotide variant.
Coding change: c.614G>C on transcript NM_006363.6 (MANE Select); coding-DNA position 614, G replaced by C.
Protein change: p.Gly205Ala; replaces glycine 205 with alanine.
Molecular consequence: missense variant.
Genome position (GRCh38, 1-based): chr20:18,524,945, G>C. VCF-style: chr20-18524945-G-C. GRCh37 (hg19) VCF-style: chr20-18505589-G-C.
Other names: p.Gly205Ala; c.614G>C (NM_006363.4, NM_001172745.2); c.614G>C, p.Gly205Ala (NM_001172745.3, NM_032985.6, NM_032986.5); c.560G>C, p.Gly187Ala (NM_001172746.3); short protein forms G187A, G205A.
Identifiers: ClinVar variation 2171158 (VCV002171158.4), dbSNP rs762101557, ClinGen allele CA9778080.